The following is an entry in ClinVar:

NM_017763.6(RNF43):c.1282C>T (p.Pro428Ser)

Gene: RNF43 (ring finger protein 43; minus strand). Cytogenetic location: 17q22.
Variant type: single nucleotide variant.
Coding change: c.1282C>T on transcript NM_017763.6 (MANE Select); coding-DNA position 1282, C replaced by T.
Protein change: p.Pro428Ser; replaces proline 428 with serine.
Molecular consequence: missense variant.
Genome position (GRCh38, 1-based): chr17:58,358,494, G>A on the plus strand (C>T on the coding strand, the complement: RNF43 is on the minus strand). VCF-style: chr17-58358494-G-A. GRCh37 (hg19) VCF-style: chr17-56435855-G-A.
Other names: c.1282C>T, p.Pro428Ser (NM_001305544.3); c.901C>T, p.Pro301Ser (NM_001305545.2); short protein forms P301S, P428S.
Identifiers: ClinVar variation 3364975 (VCV003364975.2).

ClinVar aggregate classification (germline): Uncertain significance. Review status: criteria provided, multiple submitters, no conflicts (2 of 4 stars). 2 submissions from 2 submitters: Uncertain significance (2). Last evaluated 2025-02-08.

gnomAD v4.1: 3 of 1,613,624 alleles (0.00019%); highest among the groups gnomAD compares: African/African-American, 0.0027%; no homozygotes.

Submissions (2):

Ambry Genetics
Classification: Uncertain significance. Last evaluated: 2025-02-08. Review status: criteria provided, single submitter. Criteria: Ambry Variant Classification Scheme 2023. Collection method: clinical testing. Allele origin: germline.
Comment: The p.P428S variant (also known as c.1282C>T), located in coding exon 8 of the RNF43 gene, results from a C to T substitution at nucleotide position 1282. The proline at codon 428 is replaced by serine, an amino acid with similar properties. This amino acid position is conserved. In addition, this alteration is predicted to be tolerated by in silico analysis. Based on the available evidence, the clinical significance of this variant remains unclear.

GeneDx
Classification: Uncertain significance. Last evaluated: 2023-12-18. Review status: criteria provided, single submitter. Criteria: GeneDx Variant Classification Process June 2021. Collection method: clinical testing. Allele origin: germline. Affected: yes.
Comment: Not observed at significant frequency in large population cohorts (gnomAD); In silico analysis supports that this missense variant does not alter protein structure/function; Has not been previously published as pathogenic or benign to our knowledge; Variants in candidate genes are classified as variants of uncertain significance in accordance with ACMG guidelines (PMID: 25741868)